The following is an entry in ClinVar:

NM_001321075.3(DLG4):c.1478+1G>T

Gene: DLG4 (discs large MAGUK scaffold protein 4; minus strand). Cytogenetic location: 17p13.1.
Variant type: single nucleotide variant.
Coding change: c.1478+1G>T on transcript NM_001321075.3 (MANE Select); the canonical splice donor site of the intron after coding-DNA position 1478, G replaced by T.
Molecular consequence: splice donor variant.
Genome position (GRCh38, 1-based): chr17:7,194,318, C>A on the plus strand (G>T on the coding strand, the complement: DLG4 is on the minus strand). VCF-style: chr17-7194318-C-A. GRCh37 (hg19) VCF-style: chr17-7097637-C-A.
Other names: c.1607+1G>T (NM_001365.5); c.1469+1G>T (NM_001128827.4); c.1397+1G>T (NM_001369566.3); c.1298+1G>T (NM_001321077.3, NM_001321076.3); c.1598+1G>T (NM_001321074.1).
Identifiers: ClinVar variation 1305530 (VCV001305530.2), dbSNP rs2142830491, ClinGen allele CA397715505.

ClinVar aggregate classification (germline): Uncertain significance (1 of 4 stars; one submission).

Submission:

GeneDx
Classification: Uncertain significance. Last evaluated: 2019-05-03. Review status: criteria provided, single submitter. Criteria: GeneDx Variant Classification Process June 2021. Collection method: clinical testing. Allele origin: germline. Affected: yes.
Comment: Not observed in large population cohorts (Lek et al., 2016); Canonical splice site variant predicted to result in an in-frame deletion of exon 14; Has not been previously published as pathogenic or benign to our knowledge